The following is an entry in ClinVar:

ClinVar aggregate classification (germline): Uncertain significance. Review status: criteria provided, multiple submitters, no conflicts (2 of 4 stars). 6 submissions from 6 submitters: Uncertain significance (5). 1 of the submissions does not count toward it. Last evaluated 2026-05-20.

Conditions:
TSC2-related disorder. Also called: TSC2-related condition; TSC2-Related Disorders.
Isolated focal cortical dysplasia type II (FCORD2). Also called: CORTICAL DYSPLASIA OF TAYLOR; Focal cortical dysplasia type II. Identifiers: Orphanet 268994, MedGen C1846385, MONDO:0011818, OMIM 607341, HP:0032051.
Tuberous sclerosis syndrome (TSC). Also called: Tuberous Sclerosis Complex; Tuberous sclerosis. Identifiers: Orphanet 805, MedGen C0041341, MONDO:0001734.
Tuberous sclerosis 2 (TSC2). Identifiers: Orphanet 805, MedGen C1860707, MONDO:0013199, OMIM 613254.

Allele frequency attached by ClinVar (database versions not stated): TOPMed 0.00001; 1000 Genomes Project 30x 0.00016.
gnomAD v4.1: 5 of 1,427,888 alleles (0.00035%); highest among the groups gnomAD compares: African/African-American, 0.0045%; no homozygotes.

Submissions (6):

PreventionGenetics, part of Exact Sciences
Classification: Uncertain significance for TSC2-related condition. Last evaluated: 2026-05-20. Review status: criteria provided, single submitter. Criteria: ACMG Guidelines, 2015. Collection method: clinical testing. Allele origin: germline.
Comment: The TSC2 c.-30+1G>T variant is located in the 5' untranslated region. To our knowledge, this variant has not been reported in the literature. This variant is reported in 0.023% of alleles in individuals of African descent in gnomAD. This variant is classified as uncertain in ClinVar (Variation ID: 133423). Although we suspect that this variant may be benign, at this time, the clinical significance of this variant is uncertain due to the absence of conclusive functional and genetic evidence.

Labcorp Genetics (formerly Invitae), Labcorp
Classification: Uncertain significance for Tuberous sclerosis 2. Last evaluated: 2024-11-18. Review status: criteria provided, single submitter. Criteria: Invitae Variant Classification Sherloc (09022015). Collection method: clinical testing. Allele origin: germline.
Comment: This variant occurs in a non-coding region of the TSC2 gene. It does not change the encoded amino acid sequence of the TSC2 protein. It affects a nucleotide within the consensus splice site. This variant is present in population databases (rs587778004, gnomAD 0.02%). This variant has not been reported in the literature in individuals affected with TSC2-related conditions. ClinVar contains an entry for this variant (Variation ID: 133423). Variants that disrupt the consensus splice site are a relatively common cause of aberrant splicing (PMID: 17576681, 9536098). Studies have shown that this variant is associated with inconclusive levels of altered splicing (internal data). In summary, the available evidence is currently insufficient to determine the role of this variant in disease. Therefore, it has been classified as a Variant of Uncertain Significance.

All of Us Research Program, National Institutes of Health
Classification: Uncertain significance for Tuberous sclerosis syndrome. Last evaluated: 2023-12-18. Review status: criteria provided, single submitter. Criteria: ACMG Guidelines, 2015. Collection method: clinical testing. Allele origin: germline. Inheritance: Autosomal dominant inheritance. Observed: 2 variant alleles, 2 heterozygotes.
Comment: This variant causes a G to T nucleotide substitution at the +1 position of noncoding intron 1 of the TSC2 gene. Splice site prediction tools suggest that this variant may have a significant impact on RNA splicing, although this prediction has not been confirmed in published RNA studies. This variant has not been reported in individuals affected with TSC2-related disorders in the literature. This variant has been identified in 2/31366 chromosomes in the general population by the Genome Aggregation Database (gnomAD). The available evidence is insufficient to determine the role of this variant in disease conclusively. Therefore, this variant is classified as a Variant of Uncertain Significance.

This study involves interpretation of variants in research participants for the purpose of population health screening. Participant phenotype was not available at the time of variant classification. Additional details can be found in publication PMID: 35346344, PMCID: PMC8962531

GeneDx
Classification: Uncertain significance. Last evaluated: 2023-06-16. Review status: criteria provided, single submitter. Criteria: GeneDx Variant Classification Process June 2021. Collection method: clinical testing. Allele origin: germline. Affected: yes.
Comment: In silico analysis supports a deleterious effect on splicing; Has not been previously published as pathogenic or benign to our knowledge; This variant is associated with the following publications: (PMID: 24728327)

Baylor Genetics
Classification: Uncertain significance for Isolated focal cortical dysplasia type II. Last evaluated: 2022-09-02. Review status: criteria provided, single submitter. Criteria: ACMG Guidelines, 2015. Collection method: clinical testing. Allele origin: unknown.

ITMI
No classification provided. Condition: AllHighlyPenetrant. Last evaluated: 2013-09-19. Review status: no classification provided. Collection method: reference population. Allele origin: germline. Not counted in ClinVar's aggregate classification.
Comment: Please see associated publication for description of ethnicities

Literature cited by the submitters: PubMed 17576681 (cited by Labcorp Genetics (formerly Invitae), Labcorp); PubMed 9536098 (cited by Labcorp Genetics (formerly Invitae), Labcorp); PubMed 24728327 (cited by ITMI).

NM_000548.5(TSC2):c.-30+1G>T

Genes: TSC2 (TSC complex subunit 2; plus strand), LOC130058210 (ATAC-STARR-seq lymphoblastoid silent region 7024; plus strand). Cytogenetic location: 16p13.3.
Variant type: single nucleotide variant.
Coding change: c.-30+1G>T on transcript NM_000548.5 (MANE Select); the canonical splice donor site of the intron after 30 bases upstream of the start codon, G replaced by T.
Molecular consequence: splice donor variant.
Genome position (GRCh38, 1-based): chr16:2,048,066, G>T. VCF-style: chr16-2048066-G-T. GRCh37 (hg19) VCF-style: chr16-2098067-G-T.
Other names: c.-1767+1G>T (NM_001406693.1); c.-30+1G>T (NM_001406667.1, NM_001406668.1, NM_001114382.3 and 14 more transcripts); c.-846+1G>T (NM_001406680.1, NM_001406683.1, NM_001406687.1); c.-1461+1G>T (NM_001406689.1, NM_001406690.1, NM_001406692.1 and 2 more transcripts); c.-1637+1G>T (NM_001406698.1); c.-1342+1G>T (NM_001406694.1, NM_001406695.1); c.-1449+1G>T (NM_001406696.1); c.-475+1G>T (NM_001406681.1); and 3 more.
Identifiers: ClinVar variation 133423 (VCV000133423.11), dbSNP rs587778004, ClinGen allele CA018417.